The following is an entry in ClinVar:

NM_001166108.2(PALLD):c.1965-12687C>T

Gene: PALLD (palladin, cytoskeletal associated protein; plus strand). Cytogenetic location: 4q32.3.
Variant type: single nucleotide variant.
Coding change: c.1965-12687C>T on transcript NM_001166108.2 (MANE Select); 12687 bases into the intron before coding-DNA position 1965, C replaced by T.
Molecular consequence: intron variant. On other transcripts: missense variant (1).
Genome position (GRCh38, 1-based): chr4:168,878,235, C>T. VCF-style: chr4-168878235-C-T. GRCh37 (hg19) VCF-style: chr4-169799386-C-T.
Other names: c.344C>T (NM_001166110.1); c.344C>T, p.Pro115Leu (NM_001166110.2); c.1965-12687C>T (NM_016081.4); c.819-12687C>T (NM_001166109.2); c.-157-12687C>T (NM_001367570.1, NM_001367568.1, NM_001367567.1 and 1 more transcripts); short protein forms P115L.
Identifiers: ClinVar variation 1430821 (VCV001430821.10), dbSNP rs1201472346, ClinGen allele CA358796407.

ClinVar aggregate classification (germline): Uncertain significance. Review status: criteria provided, multiple submitters, no conflicts (2 of 4 stars). 2 submissions from 2 submitters: Uncertain significance (2). Last evaluated 2024-12-22.

Conditions:
Pancreatic adenocarcinoma. Identifiers: MedGen C0281361, MONDO:0006047, HP:0006725.

Allele frequency attached by ClinVar (database versions not stated): gnomAD exomes 0.00001; TOPMed 0.00001.
gnomAD v4.1: 5 of 1,521,898 alleles (0.00033%); highest among the groups gnomAD compares: South Asian, 0.0024%; no homozygotes.

Submissions (2):

Ambry Genetics
Classification: Uncertain significance. Last evaluated: 2024-12-22. Review status: criteria provided, single submitter. Criteria: Ambry Variant Classification Scheme 2023. Collection method: clinical testing. Allele origin: germline.
Comment: The p.P115L variant (also known as c.344C>T), located in coding exon 1 of the PALLD gene, results from a C to T substitution at nucleotide position 344. The proline at codon 115 is replaced by leucine, an amino acid with similar properties. This amino acid position is conserved. In addition, this alteration is predicted to be tolerated by in silico analysis. Based on the available evidence, the clinical significance of this variant remains unclear.

Labcorp Genetics (formerly Invitae), Labcorp
Classification: Uncertain significance for Pancreatic adenocarcinoma. Last evaluated: 2021-07-11. Review status: criteria provided, single submitter. Criteria: Invitae Variant Classification Sherloc (09022015). Collection method: clinical testing. Allele origin: germline.
Comment: This sequence change replaces proline with leucine at codon 115 of the PALLD protein (p.Pro115Leu). The proline residue is highly conserved and there is a moderate physicochemical difference between proline and leucine. The frequency data for this variant in the population databases is considered unreliable, as metrics indicate insufficient coverage at this position in the ExAC database. This variant has not been reported in the literature in individuals affected with PALLD-related conditions. Algorithms developed to predict the effect of missense changes on protein structure and function are either unavailable or do not agree on the potential impact of this missense change (SIFT: "Deleterious"; PolyPhen-2: "Benign"; Align-GVGD: "Class C65"). In summary, the available evidence is currently insufficient to determine the role of this variant in disease. Therefore, it has been classified as a Variant of Uncertain Significance.